The following is an entry in ClinVar:

ClinVar aggregate classification (germline): Uncertain significance (1 of 4 stars; one submission).

Conditions:
Congenital muscular dystrophy due to integrin alpha-7 deficiency. Also called: MYOPATHY, CONGENITAL, DUE TO INTEGRIN ALPHA-7 DEFICIENCY; Congenital muscular dystrophy with integrin alpha-7 deficiency; Muscular dystrophy, congenital, due to ITGA7 deficiency. Identifiers: Orphanet 34520, MedGen C2750786, MONDO:0013177, OMIM 613204.

Allele frequency attached by ClinVar (database versions not stated): gnomAD exomes below 0.00001; ExAC 0.00001; gnomAD 0.00001; TOPMed 0.00001.
gnomAD v4.1: 2 of 1,613,704 alleles (0.00012%); highest among the groups gnomAD compares: African/African-American, 0.0027%; no homozygotes.

Submission:

Labcorp Genetics (formerly Invitae), Labcorp
Classification: Uncertain significance for Congenital muscular dystrophy due to integrin alpha-7 deficiency. Last evaluated: 2021-09-02. Review status: criteria provided, single submitter. Criteria: Invitae Variant Classification Sherloc (09022015). Collection method: clinical testing. Allele origin: germline.
Comment: This sequence change replaces phenylalanine with leucine at codon 34 of the ITGA7 protein (p.Phe34Leu). The phenylalanine residue is moderately conserved and there is a small physicochemical difference between phenylalanine and leucine. This variant is present in population databases (rs762727134, ExAC 0.01%). This variant has not been reported in the literature in individuals affected with ITGA7-related conditions. Algorithms developed to predict the effect of missense changes on protein structure and function are either unavailable or do not agree on the potential impact of this missense change (SIFT: "Deleterious"; PolyPhen-2: "Probably Damaging"; Align-GVGD: "Class C0"). In summary, the available evidence is currently insufficient to determine the role of this variant in disease. Therefore, it has been classified as a Variant of Uncertain Significance.

NM_002206.3(ITGA7):c.100T>C (p.Phe34Leu)

Gene: ITGA7 (integrin subunit alpha 7; minus strand). Cytogenetic location: 12q13.2.
Variant type: single nucleotide variant.
Coding change: c.100T>C on transcript NM_002206.3 (MANE Select); coding-DNA position 100, T replaced by C.
Protein change: p.Phe34Leu; replaces phenylalanine 34 with leucine.
Molecular consequence: missense variant. On other transcripts: 5 prime UTR variant (1), intron variant (3).
Genome position (GRCh38, 1-based): chr12:55,707,583, A>G on the plus strand (T>C on the coding strand, the complement: ITGA7 is on the minus strand). VCF-style: chr12-55707583-A-G. GRCh37 (hg19) VCF-style: chr12-56101367-A-G.
Other names: c.100T>C, p.Phe34Leu (NM_001144996.2, NM_001374465.1, NM_001410977.1 and 6 more transcripts); c.-1073T>C (NM_001367994.1); c.85+4480T>C (NM_001144997.2); c.-133-4405T>C (NM_001367993.1, NM_001414035.1); short protein forms F34L.
Identifiers: ClinVar variation 1382175 (VCV001382175.5), dbSNP rs762727134, ClinGen allele CA6616458.
Genomic context (GRCh38, chr12:55,707,583, plus strand): 5'-AGCCGAAGAGGCTGCCTGGCTCGCCCTCCTTGCGCAAGGCACCCATCACGTCCAGATTGA[A>G]GGCGACAGCCCGTGAGAAGAGCAGTTCGACGAGCAGGGAGCCAAAAAGGTAGCAAATCCC-3'
Protein context (NP_002197.2, residues 24-44): VELLFSRAVA[Phe34Leu]NLDVMGALRK